The following is an entry in ClinVar:

ClinVar aggregate classification (germline): Uncertain significance (1 of 4 stars; one submission).

Conditions:
Catecholaminergic polymorphic ventricular tachycardia 1. Also called: VENTRICULAR TACHYCARDIA, STRESS-INDUCED POLYMORPHIC 1; VENTRICULAR TACHYCARDIA, CATECHOLAMINERGIC POLYMORPHIC, 1, WITH OR WITHOUT ATRIAL DYSFUNCTION AND/OR DILATED CARDIOMYOPATHY; RYR2-Related Catecholaminergic Polymorphic Ventricular Tachycardia. Identifiers: Orphanet 3286, MedGen C1631597, MONDO:0011484, OMIM 604772.

Submission:

Labcorp Genetics (formerly Invitae), Labcorp
Classification: Uncertain significance for Catecholaminergic polymorphic ventricular tachycardia 1. Last evaluated: 2021-08-03. Review status: criteria provided, single submitter. Criteria: Invitae Variant Classification Sherloc (09022015). Collection method: clinical testing. Allele origin: germline.
Comment: In summary, the available evidence is currently insufficient to determine the role of this variant in disease. Therefore, it has been classified as a Variant of Uncertain Significance. Advanced modeling of protein sequence and biophysical properties (such as structural, functional, and spatial information, amino acid conservation, physicochemical variation, residue mobility, and thermodynamic stability) performed at Invitae indicates that this missense variant is expected to disrupt RYR2 protein function. This variant has not been reported in the literature in individuals affected with RYR2-related conditions. This variant is not present in population databases (ExAC no frequency). This sequence change replaces alanine with glycine at codon 144 of the RYR2 protein (p.Ala144Gly). The alanine residue is highly conserved and there is a small physicochemical difference between alanine and glycine.

NM_001035.3(RYR2):c.431C>G (p.Ala144Gly)

Gene: RYR2 (ryanodine receptor 2; plus strand). Cytogenetic location: 1q43.
Variant type: single nucleotide variant.
Coding change: c.431C>G on transcript NM_001035.3 (MANE Select); coding-DNA position 431, C replaced by G.
Protein change: p.Ala144Gly; replaces alanine 144 with glycine.
Molecular consequence: missense variant.
Genome position (GRCh38, 1-based): chr1:237,374,763, C>G. VCF-style: chr1-237374763-C-G. GRCh37 (hg19) VCF-style: chr1-237538063-C-G.
Other names: short protein forms A144G.
Identifiers: ClinVar variation 1372010 (VCV001372010.7), dbSNP rs1456012582, ClinGen allele CA345374427.
Genomic context (GRCh38, chr1:237,374,763, plus strand): 5'-TTTGTACTTTGTAGTATCTGTGCTGCCTGTCCACCTCCCGGTCTTCAACTGATAAGCTGG[C>G]TTTTGATGTTGGCTTGCAAGAGGACACCACAGGTAAGCATCTTGTGCTGCGGGAAGCCAG-3'
Protein context (NP_001026.2, residues 134-154): STSRSSTDKL[Ala144Gly]FDVGLQEDTT